The following is an entry in ClinVar:

ClinVar aggregate classification (germline): Uncertain significance (1 of 4 stars; one submission).

Allele frequency attached by ClinVar (database versions not stated): TOPMed below 0.00001.

Submission:

Labcorp Genetics (formerly Invitae), Labcorp
Classification: Uncertain significance. Last evaluated: 2022-12-04. Review status: criteria provided, single submitter. Criteria: Invitae Variant Classification Sherloc (09022015). Collection method: clinical testing. Allele origin: germline.
Comment: This sequence change replaces aspartic acid, which is acidic and polar, with glutamic acid, which is acidic and polar, at codon 3060 of the HMCN1 protein (p.Asp3060Glu). This variant is not present in population databases (gnomAD no frequency). In summary, the available evidence is currently insufficient to determine the role of this variant in disease. Therefore, it has been classified as a Variant of Uncertain Significance. This variant has not been reported in the literature in individuals affected with HMCN1-related conditions. Algorithms developed to predict the effect of missense changes on protein structure and function are either unavailable or do not agree on the potential impact of this missense change (SIFT: "Tolerated"; PolyPhen-2: "Probably Damaging"; Align-GVGD: "Class C0").

NM_031935.3(HMCN1):c.9180C>A (p.Asp3060Glu)

Gene: HMCN1 (hemicentin 1; plus strand). Cytogenetic location: 1q31.1.
Variant type: single nucleotide variant.
Coding change: c.9180C>A on transcript NM_031935.3 (MANE Select); coding-DNA position 9180, C replaced by A.
Protein change: p.Asp3060Glu; replaces aspartic acid 3060 with glutamic acid.
Molecular consequence: missense variant.
Genome position (GRCh38, 1-based): chr1:186,087,462, C>A. VCF-style: chr1-186087462-C-A. GRCh37 (hg19) VCF-style: chr1-186056594-C-A.
Other names: short protein forms D3060E.
Identifiers: ClinVar variation 2712266 (VCV002712266.3), dbSNP rs1391191047, ClinGen allele CA343919349.